The following is an entry in ClinVar:

NM_152617.4(RNF168):c.414_415insT (p.Asn139Ter)

Gene: RNF168 (ring finger protein 168; minus strand). Cytogenetic location: 3q29.
Variant type: Insertion.
Coding change: c.414_415insT on transcript NM_152617.4 (MANE Select); coding-DNA positions 414 to 415, T inserted.
Protein change: p.Asn139Ter; replaces asparagine 139 with a stop codon.
Molecular consequence: nonsense.
Genome position: GRCh38 VCF-style: chr3-196487542-T-TA. GRCh37 (hg19) VCF-style: chr3-196214413-T-TA.
Other names: short protein forms N139*.
Identifiers: ClinVar variation 4880555 (VCV004880555.2).

ClinVar aggregate classification (germline): Likely pathogenic (1 of 4 stars; one submission).

Submission:

Dasa
Classification: Likely pathogenic. Last evaluated: 2025-09-17. Review status: criteria provided, single submitter. Criteria: DASA Assertion Criteria. Collection method: clinical testing. Allele origin: germline.
Comment: NM_152617.4(RNF168):c.414_415insT (p.Asn139*) is a frameshift variant in RNF168 predicted to alter the reading frame and introduce a premature termination codon and is predicted to result in an absent or altered protein product. Loss of function is an established disease mechanism for RNF168-associated disorders. Also, this variant is absent from population databases. Based on the currently available evidence, this variant is classified as likely pathogenic.